The following is an entry in ClinVar:

NM_058004.4(PI4KA):c.5031G>A (p.Ala1677=)

Gene: PI4KA (phosphatidylinositol 4-kinase alpha; minus strand). Cytogenetic location: 22q11.21.
Variant type: single nucleotide variant.
Coding change: c.5031G>A on transcript NM_058004.4 (MANE Select); coding-DNA position 5031, G replaced by A.
Protein change: p.Ala1677=; no amino-acid change (alanine 1677 retained).
Molecular consequence: synonymous variant.
Genome position (GRCh38, 1-based): chr22:20,721,383, C>T on the plus strand (G>A on the coding strand, the complement: PI4KA is on the minus strand). VCF-style: chr22-20721383-C-T. GRCh37 (hg19) VCF-style: chr22-21075671-C-T.
Other names: c.4938G>A, p.Ala1646= (NM_001362862.2); c.4965G>A, p.Ala1655= (NM_001362863.2).
Identifiers: ClinVar variation 3040513 (VCV003040513.3), dbSNP rs369839823, ClinGen allele CA10114838.

ClinVar aggregate classification (germline): Likely benign. Review status: criteria provided, single submitter (1 of 4 stars). 2 submissions from 2 submitters: Likely benign (1). 1 of the submissions does not count toward it. Last evaluated 2024-07-26.

Conditions:
PI4KA-related disorder. Also called: PI4KA-related condition; PI4KA-related disorders. Identifiers: MedGen CN378147, MONDO:1040012.

Allele frequency attached by ClinVar (database versions not stated): ESP Exome Variant Server 0.00008; ExAC 0.00020.
gnomAD v4.1: 175 of 1,613,826 alleles (0.011%); highest among the groups gnomAD compares: Middle Eastern, 0.2%; no homozygotes.

Submissions (2):

Blueprint Genetics
Classification: Likely benign. Last evaluated: 2024-07-26. Review status: criteria provided, single submitter. Criteria: ACMG Guidelines, 2015. Collection method: clinical testing. Allele origin: germline.

PreventionGenetics, part of Exact Sciences
Classification: Likely benign for PI4KA-related condition. Last evaluated: 2020-10-16. Review status: no assertion criteria provided. Collection method: clinical testing. Allele origin: germline. Not counted in ClinVar's aggregate classification.
Comment: This variant is classified as likely benign based on ACMG/AMP sequence variant interpretation guidelines (Richards et al. 2015 PMID: 25741868, with internal and published modifications).